The following is an entry in ClinVar:

ClinVar aggregate classification (germline): Uncertain significance. Review status: criteria provided, multiple submitters, no conflicts (2 of 4 stars). 2 submissions from 2 submitters: Uncertain significance (2). Last evaluated 2025-10-29.

Conditions:
Cardiovascular phenotype. Identifiers: MedGen CN230736.
Dilated cardiomyopathy 1G (CMD1G). Identifiers: Orphanet 154, MedGen C1858763, MONDO:0011400, OMIM 604145.
Autosomal recessive limb-girdle muscular dystrophy type 2J (LGMDR10). Also called: Limb-girdle muscular dystrophy, type 2J; MUSCULAR DYSTROPHY, LIMB-GIRDLE, AUTOSOMAL RECESSIVE 10. Identifiers: Orphanet 140922, MedGen C1837342, MONDO:0012127, OMIM 608807.

Allele frequency attached by ClinVar (database versions not stated): gnomAD exomes below 0.00001; gnomAD 0.00002 and 0.00003; ESP Exome Variant Server 0.00008.

Submissions (2):

Labcorp Genetics (formerly Invitae), Labcorp
Classification: Uncertain significance for Dilated cardiomyopathy 1G; Autosomal recessive limb-girdle muscular dystrophy type 2J. Last evaluated: 2025-10-29. Review status: criteria provided, single submitter. Criteria: Invitae Variant Classification Sherloc (09022015). Collection method: clinical testing. Allele origin: germline.
Comment: This sequence change replaces serine, which is neutral and polar, with proline, which is neutral and non-polar, at codon 35352 of the TTN protein (p.Ser35352Pro). This variant is not present in population databases (gnomAD no frequency). This variant has not been reported in the literature in individuals affected with TTN-related conditions. ClinVar contains an entry for this variant (Variation ID: 1469597). Experimental studies and prediction algorithms are not available or were not evaluated, and the functional significance of this variant is currently unknown. This variant is located in the M band of TTN (PMID: 25589632). Non-truncating variants in this region may be relevant for neuromuscular disorders, but have not been definitively shown to cause cardiomyopathy (PMID: 23975875). In summary, the available evidence is currently insufficient to determine the role of this variant in disease. Therefore, it has been classified as a Variant of Uncertain Significance.

Ambry Genetics
Classification: Uncertain significance for Cardiovascular phenotype. Last evaluated: 2020-07-01. Review status: criteria provided, single submitter. Criteria: Ambry Variant Classification Scheme 2023. Collection method: clinical testing. Allele origin: germline.
Comment: The p.S26287P variant (also known as c.78859T>C), located in coding exon 185 of the TTN gene, results from a T to C substitution at nucleotide position 78859. The serine at codon 26287 is replaced by proline, an amino acid with similar properties. This amino acid position is not well conserved in available vertebrate species. In addition, this alteration is predicted to be tolerated by in silico analysis. Since supporting evidence is limited at this time, the clinical significance of this alteration remains unclear.

Literature cited by the submitters: PubMed 25589632 (cited by Labcorp Genetics (formerly Invitae), Labcorp); PubMed 23975875 (cited by Labcorp Genetics (formerly Invitae), Labcorp).

NM_001267550.2(TTN):c.106054T>C (p.Ser35352Pro)

Genes: TTN (titin; minus strand), TTN-AS1 (TTN antisense RNA 1; plus strand), LOC129935182 (ATAC-STARR-seq lymphoblastoid active region 16807; plus strand). Cytogenetic location: 2q31.2.
Variant type: single nucleotide variant.
Coding change: c.106054T>C on transcript NM_001267550.2 (MANE Select); coding-DNA position 106054, T replaced by C.
Protein change: p.Ser35352Pro; replaces serine 35352 with proline.
Molecular consequence: missense variant.
Genome position (GRCh38, 1-based): chr2:178,530,561, A>G on the plus strand (T>C on the coding strand, the complement: TTN is on the minus strand). VCF-style: chr2-178530561-A-G. GRCh37 (hg19) VCF-style: chr2-179395288-A-G.
Other names: c.101131T>C, p.Ser33711Pro (NM_001256850.1); c.78859T>C, p.Ser26287Pro (NM_003319.4); c.98350T>C, p.Ser32784Pro (NM_133378.4); c.79234T>C, p.Ser26412Pro (NM_133432.3); c.79435T>C, p.Ser26479Pro (NM_133437.4); short protein forms S26287P, S26479P, S33711P, S32784P, S26412P, S35352P.
Identifiers: ClinVar variation 1469597 (VCV001469597.10), dbSNP rs370094513, ClinGen allele CA60953469.